The following is an entry in ClinVar:

ClinVar aggregate classification (germline): Uncertain significance (1 of 4 stars; one submission).

Allele frequency attached by ClinVar (database versions not stated): gnomAD exomes below 0.00001.
gnomAD v4.1: 2 of 1,613,856 alleles (0.00012%); highest among the groups gnomAD compares: Non-Finnish European, 0.00017%; no homozygotes.

Submission:

Ambry Genetics
Classification: Uncertain significance. Last evaluated: 2021-08-14. Review status: criteria provided, single submitter. Criteria: Ambry Variant Classification Scheme 2023. Collection method: clinical testing. Allele origin: germline.
Comment: The p.G721D variant (also known as c.2162G>A), located in coding exon 14 of the MYOM1 gene, results from a G to A substitution at nucleotide position 2162. The glycine at codon 721 is replaced by aspartic acid, an amino acid with similar properties. This amino acid position is conserved. In addition, this alteration is predicted to be deleterious by in silico analysis. Since supporting evidence is limited at this time, the clinical significance of this alteration remains unclear.

NM_003803.4(MYOM1):c.2162G>A (p.Gly721Asp)

Gene: MYOM1 (myomesin 1; minus strand). Cytogenetic location: 18p11.31.
Variant type: single nucleotide variant.
Coding change: c.2162G>A on transcript NM_003803.4 (MANE Select); coding-DNA position 2162, G replaced by A.
Protein change: p.Gly721Asp; replaces glycine 721 with aspartic acid.
Molecular consequence: missense variant.
Genome position (GRCh38, 1-based): chr18:3,135,594, C>T on the plus strand (G>A on the coding strand, the complement: MYOM1 is on the minus strand). VCF-style: chr18-3135594-C-T. GRCh37 (hg19) VCF-style: chr18-3135592-C-T.
Other names: c.2162G>A, p.Gly721Asp (NM_019856.2); short protein forms G721D.
Identifiers: ClinVar variation 1786932 (VCV001786932.2), dbSNP rs2510636353, ClinGen allele CA401712961.